The following is an entry in ClinVar:

ClinVar aggregate classification (germline): Pathogenic. Review status: reviewed by expert panel (3 of 4 stars). 8 submissions from 8 submitters: Pathogenic (1). 7 of the submissions do not count toward it. Last evaluated 2016-09-08.

Conditions:
Hereditary breast ovarian cancer syndrome. Also called: Hereditary breast and ovarian cancer syndrome; Hereditary breast and ovarian cancer; Hereditary breast and ovarian cancer syndrome (HBOC); Breast and ovarian cancer; Hereditary breast and/or ovarian cancer syndrome; BRCA1- and BRCA2-Associated Hereditary Breast and Ovarian Cancer. Identifiers: Orphanet 145, MedGen C0677776, MeSH D061325, MONDO:0003582. Disease mechanism: loss of function.
Hereditary cancer-predisposing syndrome. Also called: Neoplastic Syndromes, Hereditary; Tumor predisposition; Hereditary neoplastic syndrome; Hereditary Cancer Syndrome. Identifiers: Orphanet 140162, MedGen C0027672, MeSH D009386, MONDO:0015356.
Breast-ovarian cancer, familial, susceptibility to, 2 (BROVCA2). Also called: BRCA2 Hereditary Breast and Ovarian Cancer. Identifiers: Orphanet 145, MedGen C2675520, MONDO:0012933, OMIM 612555. Disease mechanism: loss of function.

Submissions (8):

Evidence-based Network for the Interpretation of Germline Mutant Alleles (ENIGMA)
Classification: Pathogenic for Breast-ovarian cancer, familial, susceptibility to, 2. Last evaluated: 2016-09-08. Review status: reviewed by expert panel. Criteria: ENIGMA BRCA1/2 Classification Criteria (2015). Collection method: curation. Allele origin: germline.
Comment: Variant allele predicted to encode a truncated non-functional protein.

Women's Health and Genetics/Laboratory Corporation of America, LabCorp
Classification: Pathogenic for Hereditary breast ovarian cancer syndrome. Last evaluated: 2024-07-01. Review status: criteria provided, single submitter. Criteria: LabCorp Variant Classification Summary - May 2015. Collection method: clinical testing. Allele origin: germline. Not counted in ClinVar's aggregate classification.
Comment: Variant summary: BRCA2 c.6816_6817delAA (p.Gly2274ArgfsX18) results in a premature termination codon, predicted to cause a truncation of the encoded protein or absence of the protein due to nonsense mediated decay, which are commonly known mechanisms for disease. The variant was absent in 250316 control chromosomes (gnomAD). c.6816_6817delAA has been reported in the literature in multiple individuals affected with Hereditary Breast And Ovarian Cancer Syndrome (Teixeira_2018). These data indicate that the variant is very likely to be associated with disease. To our knowledge, no experimental evidence demonstrating an impact on protein function has been reported. The following publication has been ascertained in the context of this evaluation (PMID: 29483665). ClinVar contains an entry for this variant (Variation ID: 52197). Based on the evidence outlined above, the variant was classified as pathogenic.

Ambry Genetics
Classification: Pathogenic for Hereditary cancer-predisposing syndrome. Last evaluated: 2023-01-26. Review status: criteria provided, single submitter. Criteria: Ambry Variant Classification Scheme 2023. Collection method: clinical testing. Allele origin: germline. Not counted in ClinVar's aggregate classification.
Comment: The c.6816_6817delAA pathogenic mutation, located in coding exon 10 of the BRCA2 gene, results from a deletion of two nucleotides at nucleotide positions 6816 to 6817, causing a translational frameshift with a predicted alternate stop codon (p.G2274Rfs*18). This alteration was observed in 1 of 603 Turkish patients undergoing BRCA1/2 genetic testing due to their diagnosis of breast cancer (Cecener G et al. Cancer Genet, 2020 Jan;240:23-32). This variant is considered to be rare based on population cohorts in the Genome Aggregation Database (gnomAD). In addition to the clinical data presented in the literature, this alteration is expected to result in loss of function by premature protein truncation or nonsense-mediated mRNA decay. As such, this alteration is interpreted as a disease-causing mutation.

Labcorp Genetics (formerly Invitae), Labcorp
Classification: Pathogenic for Hereditary breast ovarian cancer syndrome. Last evaluated: 2019-05-02. Review status: criteria provided, single submitter. Criteria: Invitae Variant Classification Sherloc (09022015). Collection method: clinical testing. Allele origin: germline. Not counted in ClinVar's aggregate classification.
Comment: This sequence change creates a premature translational stop signal (p.Gly2274Argfs*18) in the BRCA2 gene. It is expected to result in an absent or disrupted protein product. This variant is not present in population databases (ExAC no frequency). This variant has been observed in several families with high risk of breast and/or ovarian cancer (PMID: 16683254, 29446198). ClinVar contains an entry for this variant (Variation ID: 52197). Loss-of-function variants in BRCA2 are known to be pathogenic (PMID: 20104584). For these reasons, this variant has been classified as Pathogenic.

Consortium of Investigators of Modifiers of BRCA1/2 (CIMBA), c/o University of Cambridge
Classification: Pathogenic for Breast-ovarian cancer, familial, susceptibility to, 2. Last evaluated: 2015-10-02. Review status: criteria provided, single submitter. Criteria: CIMBA Mutation Classification guidelines May 2016. Collection method: clinical testing. Allele origin: germline. Not counted in ClinVar's aggregate classification.

Clinical Genetics DNA and cytogenetics Diagnostics Lab, Erasmus MC, Erasmus Medical Center
Classification: Pathogenic for Breast-ovarian cancer, familial, susceptibility to, 2. Last evaluated: 2015-09-21. Review status: criteria provided, single submitter. Criteria: ACGS Guidelines, 2013. Collection method: clinical testing. Allele origin: germline. Affected: yes. Study: VKGL Data-share Consensus. Not counted in ClinVar's aggregate classification.

Clinical Genetics Laboratory, Department of Pathology, Netherlands Cancer Institute
Classification: Pathogenic. Review status: no assertion criteria provided. Collection method: clinical testing. Allele origin: germline. Affected: yes. Study: VKGL Data-share Consensus. Not counted in ClinVar's aggregate classification.

Diagnostic Laboratory, Department of Genetics, University Medical Center Groningen
Classification: Pathogenic for Breast-ovarian cancer, familial, susceptibility to, 2. Review status: no assertion criteria provided. Collection method: clinical testing. Allele origin: germline. Affected: yes. Study: VKGL Data-share Consensus. Not counted in ClinVar's aggregate classification.

Literature cited by the submitters: PubMed 29483665 (cited by Women's Health and Genetics/Laboratory Corporation of America, LabCorp); PubMed 31706072 (cited by Ambry Genetics); PubMed 16683254 (cited by Labcorp Genetics (formerly Invitae), Labcorp); PubMed 29446198 (cited by Labcorp Genetics (formerly Invitae), Labcorp); PubMed 20104584 (cited by Labcorp Genetics (formerly Invitae), Labcorp).

NM_000059.4(BRCA2):c.6816_6817del (p.Gly2274fs)

Gene: BRCA2 (BRCA2 DNA repair associated; plus strand). Cytogenetic location: 13q13.1.
Variant type: Deletion.
Coding change: c.6816_6817del on transcript NM_000059.4 (MANE Select); coding-DNA positions 6816 to 6817, 2 bases deleted (AA; older notation c.6816_6817delAA).
Protein change: p.Gly2274fs; shifts the reading frame from glycine 2274.
Molecular consequence: frameshift variant.
Genome position (GRCh38, 1-based): chr13:32,341,171-32,341,172, AA deleted. VCF-style (leftmost placement, unchanged base first): chr13-32341170-GAA-G. GRCh37 (hg19) VCF-style: chr13-32915307-GAA-G.
Other names: c.6816_6817delAA (NM_000059.3).
Identifiers: ClinVar variation 52197 (VCV000052197.19), dbSNP rs397507886, ClinGen allele CA024440.